The following is an entry in ClinVar:

ClinVar aggregate classification (germline): Uncertain significance. Review status: criteria provided, multiple submitters, no conflicts (2 of 4 stars). 3 submissions from 3 submitters: Uncertain significance (3). Last evaluated 2026-01-12.

Conditions:
Inborn genetic diseases. Identifiers: MedGen C0950123, MeSH D030342.
Hyperekplexia 2 (HKPX2). Identifiers: Orphanet 3197, MedGen C3553291, MONDO:0013828, OMIM 614619.

Allele frequency attached by ClinVar (database versions not stated): gnomAD exomes 0.00002 and 0.00004; gnomAD 0.00004; TOPMed 0.00006.
gnomAD v4.1: 58 of 1,610,572 alleles (0.0036%); highest among the groups gnomAD compares: Non-Finnish European, 0.0047%; no homozygotes.

Submissions (3):

Labcorp Genetics (formerly Invitae), Labcorp
Classification: Uncertain significance for Hyperekplexia 2. Last evaluated: 2026-01-12. Review status: criteria provided, single submitter. Criteria: Invitae Variant Classification Sherloc (09022015). Collection method: clinical testing. Allele origin: germline.
Comment: This sequence change replaces arginine, which is basic and polar, with glutamine, which is neutral and polar, at codon 472 of the GLRB protein (p.Arg472Gln). This variant is present in population databases (no rsID available, gnomAD 0.004%). This variant has not been reported in the literature in individuals affected with GLRB-related conditions. ClinVar contains an entry for this variant (Variation ID: 1445026). Invitae Evidence Modeling of protein sequence and biophysical properties (such as structural, functional, and spatial information, amino acid conservation, physicochemical variation, residue mobility, and thermodynamic stability) indicates that this missense variant is not expected to disrupt GLRB protein function with a negative predictive value of 80%. In summary, the available evidence is currently insufficient to determine the role of this variant in disease. Therefore, it has been classified as a Variant of Uncertain Significance.

Blueprint Genetics
Classification: Uncertain significance. Last evaluated: 2024-11-25. Review status: criteria provided, single submitter. Criteria: ACMG Guidelines, 2015. Collection method: clinical testing. Allele origin: germline.

Ambry Genetics
Classification: Uncertain significance for Inborn genetic diseases. Last evaluated: 2022-07-08. Review status: criteria provided, single submitter. Criteria: Ambry Variant Classification Scheme 2023. Collection method: clinical testing. Allele origin: germline.

NM_000824.5(GLRB):c.1415G>A (p.Arg472Gln)

Gene: GLRB (glycine receptor beta; plus strand). Cytogenetic location: 4q32.1.
Variant type: single nucleotide variant.
Coding change: c.1415G>A on transcript NM_000824.5 (MANE Select); coding-DNA position 1415, G replaced by A.
Protein change: p.Arg472Gln; replaces arginine 472 with glutamine.
Molecular consequence: missense variant. On other transcripts: 3 prime UTR variant (1).
Genome position (GRCh38, 1-based): chr4:157,170,649, G>A. VCF-style: chr4-157170649-G-A. GRCh37 (hg19) VCF-style: chr4-158091801-G-A.
Other names: c.1415G>A (NM_000824.4); c.1415G>A, p.Arg472Gln (NM_001166060.2); c.*210G>A (NM_001166061.2); short protein forms R472Q.
Identifiers: ClinVar variation 1445026 (VCV001445026.7), dbSNP rs1053763362, ClinGen allele CA109167792.